The following is an entry in ClinVar:

NM_001939.3(DRP2):c.2327del (p.Ser776fs)

Gene: DRP2 (dystrophin related protein 2; plus strand). Cytogenetic location: Xq22.1.
Variant type: Deletion.
Coding change: c.2327del on transcript NM_001939.3 (MANE Select); coding-DNA position 2327, one base deleted (G; older notation c.2327delG).
Protein change: p.Ser776fs; shifts the reading frame from serine 776.
Molecular consequence: frameshift variant.
Genome position (GRCh38, 1-based): chrX:101,256,198, G deleted. VCF-style (leftmost placement, unchanged base first): chrX-101256197-AG-A. GRCh37 (hg19) VCF-style: chrX-100511186-AG-A.
Other names: c.2093del, p.Ser698fs (NM_001171184.2); short protein forms S776fs, S698fs.
Identifiers: ClinVar variation 4730160 (VCV004730160.1).

ClinVar aggregate classification (germline): Pathogenic (1 of 4 stars; one submission).

Submission:

Labcorp Genetics (formerly Invitae), Labcorp
Classification: Pathogenic. Last evaluated: 2025-10-29. Review status: criteria provided, single submitter. Criteria: Invitae Variant Classification Sherloc (09022015). Collection method: clinical testing. Allele origin: germline.
Comment: This sequence change creates a premature translational stop signal (p.Ser776Metfs*28) in the DRP2 gene. It is expected to result in an absent or disrupted protein product. Loss-of-function variants in DRP2 are known to be pathogenic (PMID: 22764250, 26227883). This variant is not present in population databases (gnomAD no frequency). This variant has not been reported in the literature in individuals affected with DRP2-related conditions. For these reasons, this variant has been classified as Pathogenic.

Literature cited by the submitters: PubMed 22764250; PubMed 26227883.